The following is an entry in ClinVar:

NM_014639.4(SKIC3):c.2378T>C (p.Leu793Pro)

Gene: SKIC3 (SKI3 subunit of superkiller complex; minus strand). Cytogenetic location: 5q15.
Variant type: single nucleotide variant.
Coding change: c.2378T>C on transcript NM_014639.4 (MANE Select); coding-DNA position 2378, T replaced by C.
Protein change: p.Leu793Pro; replaces leucine 793 with proline.
Molecular consequence: missense variant.
Genome position (GRCh38, 1-based): chr5:95,516,974, A>G on the plus strand (T>C on the coding strand, the complement: SKIC3 is on the minus strand). VCF-style: chr5-95516974-A-G. GRCh37 (hg19) VCF-style: chr5-94852678-A-G.
Other names: short protein forms L793P.
Identifiers: ClinVar variation 2004806 (VCV002004806.4), dbSNP rs2530754884, ClinGen allele CA360459279.

ClinVar aggregate classification (germline): Uncertain significance (1 of 4 stars; one submission).

Submission:

Labcorp Genetics (formerly Invitae), Labcorp
Classification: Uncertain significance. Last evaluated: 2022-06-11. Review status: criteria provided, single submitter. Criteria: Invitae Variant Classification Sherloc (09022015). Collection method: clinical testing. Allele origin: germline.
Comment: This sequence change replaces leucine, which is neutral and non-polar, with proline, which is neutral and non-polar, at codon 793 of the TTC37 protein (p.Leu793Pro). In summary, the available evidence is currently insufficient to determine the role of this variant in disease. Therefore, it has been classified as a Variant of Uncertain Significance. Algorithms developed to predict the effect of missense changes on protein structure and function are either unavailable or do not agree on the potential impact of this missense change (SIFT: "Deleterious"; PolyPhen-2: "Benign"; Align-GVGD: "Class C0"). This variant has not been reported in the literature in individuals affected with TTC37-related conditions. This variant is not present in population databases (gnomAD no frequency).